The following is an entry in ClinVar:

ClinVar aggregate classification (germline): Uncertain significance (1 of 4 stars; one submission).

Conditions:
Early Myoclonic Encephalopathy. Identifiers: MedGen C0270855.

Allele frequency attached by ClinVar (database versions not stated): gnomAD 0.00010 and 0.00011; TOPMed 0.00008; ExAC 0.00010; gnomAD exomes 0.00006.
gnomAD v4.1: 105 of 1,579,140 alleles (0.0066%); highest among the groups gnomAD compares: Middle Eastern, 0.085%; no homozygotes.

Submission:

Labcorp Genetics (formerly Invitae), Labcorp
Classification: Uncertain significance for Early Myoclonic Encephalopathy. Last evaluated: 2025-10-28. Review status: criteria provided, single submitter. Criteria: Invitae Variant Classification Sherloc (09022015). Collection method: clinical testing. Allele origin: germline.
Comment: This sequence change replaces alanine, which is neutral and non-polar, with valine, which is neutral and non-polar, at codon 962 of the JMJD1C protein (p.Ala962Val). This variant is present in population databases (rs762134268, gnomAD 0.03%). This variant has not been reported in the literature in individuals affected with JMJD1C-related conditions. ClinVar contains an entry for this variant (Variation ID: 529714). Invitae Evidence Modeling of protein sequence and biophysical properties (such as structural, functional, and spatial information, amino acid conservation, physicochemical variation, residue mobility, and thermodynamic stability) indicates that this missense variant is not expected to disrupt JMJD1C protein function with a negative predictive value of 80%. In summary, the available evidence is currently insufficient to determine the role of this variant in disease. Therefore, it has been classified as a Variant of Uncertain Significance.

NM_032776.3(JMJD1C):c.2885C>T (p.Ala962Val)

Gene: JMJD1C (jumonji domain containing 1C; minus strand). Cytogenetic location: 10q21.3.
Variant type: single nucleotide variant.
Coding change: c.2885C>T on transcript NM_032776.3 (MANE Select); coding-DNA position 2885, C replaced by T.
Protein change: p.Ala962Val; replaces alanine 962 with valine.
Molecular consequence: missense variant. On other transcripts: non-coding transcript variant (1).
Genome position (GRCh38, 1-based): chr10:63,208,784, G>A on the plus strand (C>T on the coding strand, the complement: JMJD1C is on the minus strand). VCF-style: chr10-63208784-G-A. GRCh37 (hg19) VCF-style: chr10-64968544-G-A.
Other names: c.2339C>T, p.Ala780Val (NM_001282948.2, NM_001318154.2); c.2021C>T, p.Ala674Val (NM_001318153.2); c.2771C>T, p.Ala924Val (NM_001322252.2); c.2228C>T, p.Ala743Val (NM_001322254.2, NM_001322258.2); short protein forms A962V, A780V, A674V, A924V, A743V.
Identifiers: ClinVar variation 529714 (VCV000529714.10), dbSNP rs762134268, ClinGen allele CA5518525.